The following is an entry in ClinVar:

NM_170606.3(KMT2C):c.4610C>T (p.Pro1537Leu)

Gene: KMT2C (lysine methyltransferase 2C; minus strand). Cytogenetic location: 7q36.1.
Variant type: single nucleotide variant.
Coding change: c.4610C>T on transcript NM_170606.3 (MANE Select); coding-DNA position 4610, C replaced by T.
Protein change: p.Pro1537Leu; replaces proline 1537 with leucine.
Molecular consequence: missense variant.
Genome position (GRCh38, 1-based): chr7:152,194,059, G>A on the plus strand (C>T on the coding strand, the complement: KMT2C is on the minus strand). VCF-style: chr7-152194059-G-A. GRCh37 (hg19) VCF-style: chr7-151891144-G-A.
Other names: short protein forms P1537L.
Identifiers: ClinVar variation 3360769 (VCV003360769.1).

ClinVar aggregate classification (germline): Uncertain significance (1 of 4 stars; one submission).

gnomAD v4.1: 1 of 1,591,906 alleles (0.000063%); highest among the groups gnomAD compares: Admixed American, 0.0019%; no homozygotes.

Submission:

GeneDx
Classification: Uncertain significance. Last evaluated: 2023-07-06. Review status: criteria provided, single submitter. Criteria: GeneDx Variant Classification Process June 2021. Collection method: clinical testing. Allele origin: germline. Affected: yes.
Comment: Not observed at significant frequency in large population cohorts (gnomAD); In silico analysis supports that this missense variant has a deleterious effect on protein structure/function; Has not been previously published as pathogenic or benign to our knowledge